The following is an entry in ClinVar:

ClinVar aggregate classification (germline): Likely benign. Review status: reviewed by expert panel (3 of 4 stars). 2 submissions from 2 submitters: Likely benign (1). 1 of the submissions does not count toward it. Last evaluated 2025-06-25.

Conditions:
CDKL5 disorder. Identifiers: MedGen CN296942, MONDO:0100039.

gnomAD v4.1: 4 of 1,209,902 alleles (0.00033%); highest among the groups gnomAD compares: Non-Finnish European, 0.00045%; no homozygotes.

Submissions (2):

ClinGen Rett and Angelman-like Disorders Variant Curation Expert Panel
Classification: Likely benign for CDKL5 disorder. Last evaluated: 2025-06-25. Review status: reviewed by expert panel. Criteria: ClinGen RettAS ACMG Specifications CDKL5 V4.1.0. Collection method: curation. Allele origin: germline. Inheritance: X-linked inheritance.
Comment: The highest population minor allele frequency of the p.Thr538Ala variant in CDKL5 in gnomAD v4.1 is 0.000004468 in the Non-Finnish European population (not sufficient to meet BS1 criteria). The p.Thr538Ala variant is observed in at least 1 unaffected individual (Internal database - Ambry Genetics) (BS2_Supporting). The computational predictor REVEL gives a score of 0.214, which is below the threshold of 0.290, evidence that does not predict a damaging effect on CDKL5 function (BP4). In summary, the p.Thr538Ala variant in CDKL5 is classified as likely benign based on the ACMG/AMP criteria (BS2_Supporting, BP4). (CDKL5 Specifications v.4.1; curation approved on 06/25/2025)

Centre for Population Genomics, CPG
Classification: Uncertain significance for CDKL5 disorder. Last evaluated: 2024-09-13. Review status: criteria provided, single submitter. Criteria: McKnight et al. (Hum Mutat. 2022). Collection method: curation. Allele origin: germline. Inheritance: X-linked inheritance. Not counted in ClinVar's aggregate classification.
Comment: This variant has been collected from RettBASE and curated to current modified ACMG/AMP criteria. Based on the classification scheme defined by the ClinGen Rett/Angelman-like Expert Panel for Rett/AS-like Disorders Specifications to the ACMG/AMP Variant Interpretation Guidelines VCEP 3.0, this variant is classified as a variant of uncertain significance. At least the following criteria are met: The allele frequency of this variant in gnomAD is less than 0.008%.

NM_001323289.2(CDKL5):c.1612A>G (p.Thr538Ala)

Gene: CDKL5 (cyclin dependent kinase like 5; plus strand). Cytogenetic location: Xp22.13.
Variant type: single nucleotide variant.
Coding change: c.1612A>G on transcript NM_001323289.2 (MANE Select); coding-DNA position 1612, A replaced by G.
Protein change: p.Thr538Ala; replaces threonine 538 with alanine.
Molecular consequence: missense variant.
Genome position (GRCh38, 1-based): chrX:18,604,536, A>G. VCF-style: chrX-18604536-A-G. GRCh37 (hg19) VCF-style: chrX-18622656-A-G.
Other names: NM_003159.3:c.1612A>G; NM_001323289.2(CDKL5):c.1612A>G; p.Thr538Ala; c.1612A>G, p.Thr538Ala (NM_001037343.2, NM_003159.3); short protein forms T538A.
Identifiers: ClinVar variation 3343996 (VCV003343996.2).